The following is an entry in ClinVar:

NM_176824.3(BBS7):c.1585C>T (p.Pro529Ser)

Gene: BBS7 (Bardet-Biedl syndrome 7; minus strand). Cytogenetic location: 4q27.
Variant type: single nucleotide variant.
Coding change: c.1585C>T on transcript NM_176824.3 (MANE Select); coding-DNA position 1585, C replaced by T.
Protein change: p.Pro529Ser; replaces proline 529 with serine.
Molecular consequence: missense variant.
Genome position (GRCh38, 1-based): chr4:121,833,322, G>A on the plus strand (C>T on the coding strand, the complement: BBS7 is on the minus strand). VCF-style: chr4-121833322-G-A. GRCh37 (hg19) VCF-style: chr4-122754477-G-A.
Other names: c.1585C>T (NM_176824.2); c.1585C>T, p.Pro529Ser (NM_018190.4); short protein forms P529S.
Identifiers: ClinVar variation 1038287 (VCV001038287.5), dbSNP rs771957843, ClinGen allele CA3064182.

ClinVar aggregate classification (germline): Uncertain significance. Review status: criteria provided, multiple submitters, no conflicts (2 of 4 stars). 3 submissions from 3 submitters: Uncertain significance (3). Last evaluated 2026-09-21.

Conditions:
Bardet-Biedl syndrome (BBS). Identifiers: Orphanet 110, MedGen C0752166, MONDO:0015229.
BBS7-related disorder. Also called: BBS7-related condition.
Bardet-Biedl syndrome 7 (BBS7). Identifiers: Orphanet 110, MedGen C1859565, MONDO:0014435, OMIM 615984.

Allele frequency attached by ClinVar (database versions not stated): ExAC 0.00002; gnomAD exomes 0.00002 and 0.00003; TOPMed 0.00002.
gnomAD v4.1: 9 of 1,613,924 alleles (0.00056%); highest among the groups gnomAD compares: Admixed American, 0.015%; no homozygotes.

Submissions (3):

PreventionGenetics, part of Exact Sciences
Classification: Uncertain significance for BBS7-related condition. Last evaluated: 2026-09-21. Review status: criteria provided, single submitter. Criteria: ACMG Guidelines, 2015. Collection method: clinical testing. Allele origin: germline.
Comment: The BBS7 c.1585C>T variant is predicted to result in the amino acid substitution p.Pro529Ser. To our knowledge, this variant has not been reported in the literature. This variant is reported in 0.023% of alleles in individuals of Latino descent in gnomAD. At this time, the clinical significance of this variant is uncertain due to the absence of conclusive functional and genetic evidence.

Fulgent Genetics
Classification: Uncertain significance for Bardet-Biedl syndrome 7. Last evaluated: 2024-05-03. Review status: criteria provided, single submitter. Criteria: ACMG Guidelines, 2015. Collection method: clinical testing. Allele origin: germline.

Labcorp Genetics (formerly Invitae), Labcorp
Classification: Uncertain significance for Bardet-Biedl syndrome. Last evaluated: 2022-10-25. Review status: criteria provided, single submitter. Criteria: Invitae Variant Classification Sherloc (09022015). Collection method: clinical testing. Allele origin: germline.
Comment: This sequence change replaces proline, which is neutral and non-polar, with serine, which is neutral and polar, at codon 529 of the BBS7 protein (p.Pro529Ser). This variant is present in population databases (rs771957843, gnomAD 0.02%). This variant has not been reported in the literature in individuals affected with BBS7-related conditions. ClinVar contains an entry for this variant (Variation ID: 1038287). Algorithms developed to predict the effect of missense changes on protein structure and function (SIFT, PolyPhen-2, Align-GVGD) all suggest that this variant is likely to be disruptive. In summary, the available evidence is currently insufficient to determine the role of this variant in disease. Therefore, it has been classified as a Variant of Uncertain Significance.